The following is an entry in ClinVar:

ClinVar aggregate classification (germline): Pathogenic. Review status: criteria provided, multiple submitters, no conflicts (2 of 4 stars). 2 submissions from 2 submitters: Pathogenic (2). Last evaluated 2022-05-05.

Conditions:
Hereditary coproporphyria (HCP). Also called: Hereditary coproporphyria porphyria; Porphyria hepatica coproporphyria; Porphyria hepatica II; CPRO deficiency; COPROPORPHYRINOGEN OXIDASE DEFICIENCY; CPO DEFICIENCY. Identifiers: Orphanet 79273, MedGen C0162531, MONDO:0007369, OMIM 121300.

Submissions (2):

Labcorp Genetics (formerly Invitae), Labcorp
Classification: Pathogenic. Last evaluated: 2022-05-05. Review status: criteria provided, single submitter. Criteria: Invitae Variant Classification Sherloc (09022015). Collection method: clinical testing. Allele origin: germline.
Comment: This sequence change creates a premature translational stop signal (p.Gln160*) in the CPOX gene. It is expected to result in an absent or disrupted protein product. Loss-of-function variants in CPOX are known to be pathogenic (PMID: 9888388). This variant is not present in population databases (gnomAD no frequency). This variant has not been reported in the literature in individuals affected with CPOX-related conditions. ClinVar contains an entry for this variant (Variation ID: 801990). For these reasons, this variant has been classified as Pathogenic.

Mendelics
Classification: Pathogenic for Hereditary coproporphyria. Last evaluated: 2019-05-28. Review status: criteria provided, single submitter. Criteria: Mendelics Assertion Criteria 2017. Collection method: clinical testing. Allele origin: unknown.

Literature cited by the submitters: PubMed 9888388 (cited by Labcorp Genetics (formerly Invitae), Labcorp).

NM_000097.7(CPOX):c.478C>T (p.Gln160Ter)

Gene: CPOX (coproporphyrinogen oxidase; minus strand). Cytogenetic location: 3q11.2.
Variant type: single nucleotide variant.
Coding change: c.478C>T on transcript NM_000097.7 (MANE Select); coding-DNA position 478, C replaced by T.
Protein change: p.Gln160Ter; replaces glutamine 160 with a stop codon.
Molecular consequence: nonsense.
Genome position (GRCh38, 1-based): chr3:98,593,027, G>A on the plus strand (C>T on the coding strand, the complement: CPOX is on the minus strand). VCF-style: chr3-98593027-G-A. GRCh37 (hg19) VCF-style: chr3-98311871-G-A.
Other names: short protein forms Q160*.
Identifiers: ClinVar variation 801990 (VCV000801990.6), dbSNP rs1576306536, ClinGen allele CA353646385.